The following is an entry in ClinVar:

NM_016507.4(CDK12):c.1282C>T (p.Pro428Ser)

Gene: CDK12 (cyclin dependent kinase 12; plus strand). Cytogenetic location: 17q12.
Variant type: single nucleotide variant.
Coding change: c.1282C>T on transcript NM_016507.4 (MANE Select); coding-DNA position 1282, C replaced by T.
Protein change: p.Pro428Ser; replaces proline 428 with serine.
Molecular consequence: missense variant.
Genome position (GRCh38, 1-based): chr17:39,471,114, C>T. VCF-style: chr17-39471114-C-T. GRCh37 (hg19) VCF-style: chr17-37627367-C-T.
Other names: c.1282C>T, p.Pro428Ser (NM_015083.4); short protein forms P428S.
Identifiers: ClinVar variation 4224451 (VCV004224451.1).

ClinVar aggregate classification (germline): Uncertain significance (1 of 4 stars; one submission).

Submission:

Ambry Genetics
Classification: Uncertain significance. Last evaluated: 2025-09-10. Review status: criteria provided, single submitter. Criteria: Ambry Variant Classification Scheme 2023. Collection method: clinical testing. Allele origin: germline.
Comment: The p.P428S variant (also known as c.1282C>T), located in coding exon 2 of the CDK12 gene, results from a C to T substitution at nucleotide position 1282. The proline at codon 428 is replaced by serine, an amino acid with similar properties. This amino acid position is conserved. In addition, this alteration is predicted to be tolerated by in silico analysis. Based on the available evidence, the clinical significance of this variant remains unclear.